The following is an entry in ClinVar:

ClinVar aggregate classification (germline): Pathogenic. Review status: criteria provided, multiple submitters, no conflicts (2 of 4 stars). 3 submissions from 3 submitters: Pathogenic (3). Last evaluated 2023-04-11.

Conditions:
Microcephaly 5, primary, autosomal recessive (MCPH5). Also called: ASPM Primary Microcephaly. Identifiers: Orphanet 2512, MedGen C1837501, MONDO:0012106, OMIM 608716.

Submissions (3):

Genome-Nilou Lab
Classification: Pathogenic for Microcephaly 5, primary, autosomal recessive. Last evaluated: 2023-04-11. Review status: criteria provided, single submitter. Criteria: ACMG Guidelines, 2015. Collection method: clinical testing. Allele origin: germline. Affected: no.

Victorian Clinical Genetics Services, Murdoch Childrens Research Institute
Classification: Pathogenic for Microcephaly 5, primary, autosomal recessive. Last evaluated: 2021-05-06. Review status: criteria provided, single submitter. Criteria: ACMG Guidelines, 2015. Collection method: clinical testing. Allele origin: germline. Inheritance: Autosomal recessive inheritance. Affected: yes.
Comment: Based on the classification scheme VCGS_Germline_v1.3.4, this variant is classified as Pathogenic. Following criteria are met: 0102 - Loss of function is a known mechanism of disease in this gene and is associated with primary microcephaly 5 (MIM#608716). (I) 0106 - This gene is associated with autosomal recessive disease. (I) 0201 - Variant is predicted to cause nonsense-mediated decay (NMD) and loss of protein (premature termination codon is located at least 54 nucleotides upstream of the final exon-exon junction). (SP) 0251 - This variant is heterozygous. (I) 0301 - Variant is absent from gnomAD (both v2 and v3). (SP) 0701 - Other NMD-predicted variants comparable to the one identified in this case have very strong previous evidence for pathogenicity. Variants predicted to result in NMD are well-reported pathogenic in this gene (ClinVar, PMID: 29243349). (SP) 0803 - This variant has limited previous evidence of pathogenicity in an unrelated individual. This variant has been reported pathogenic in the ClinVar database. (SP) 1208 - Inheritance information for this variant is not currently available in this individual. (I) Legend: (SP) - Supporting pathogenic, (I) - Information, (SB) - Supporting benign

GeneDx
Classification: Pathogenic. Last evaluated: 2016-11-16. Review status: criteria provided, single submitter. Criteria: GeneDx Variant Classification (06012015). Collection method: clinical testing. Allele origin: germline. Affected: yes.
Comment: The c.1726_1727delAA pathogenic variant in the ASPM gene causes a frameshift starting with codon Lysine 576, changes this amino acid to a Glutamic acid residue and creates a premature Stop codon at position 34 of the new reading frame, denoted p.Lys576GlufsX34. This pathogenic variant is predicted to cause loss of normal protein function either through protein truncation or nonsense-mediated mRNA decay. Although this variant has not been previously reported to our knowledge, it is interpreted to be a pathogenic variant.

Literature cited by the submitters: PubMed 29243349 (cited by Victorian Clinical Genetics Services, Murdoch Childrens Research Institute).

NM_018136.5(ASPM):c.1726_1727del (p.Lys576fs)

Gene: ASPM (assembly factor for spindle microtubules; minus strand). Cytogenetic location: 1q31.3.
Variant type: Deletion.
Coding change: c.1726_1727del on transcript NM_018136.5 (MANE Select); coding-DNA positions 1726 to 1727, 2 bases deleted (AA; older notation c.1726_1727delAA).
Protein change: p.Lys576fs; shifts the reading frame from lysine 576.
Molecular consequence: frameshift variant.
Genome position (GRCh38, 1-based): chr1:197,142,525-197,142,526, TT deleted on the plus strand (AA on the coding strand, the reverse complement: ASPM is on the minus strand); deleting any 2 consecutive bases within chr1:197,142,525-197,142,527 gives the same sequence; the c. name uses the placement nearest the transcript's 3' end. VCF-style (leftmost placement, unchanged base first): chr1-197142524-CTT-C. GRCh37 (hg19) VCF-style: chr1-197111654-CTT-C.
Other names: c.1726_1727del, p.Lys576fs (NM_001206846.2); short protein forms K576fs.
Identifiers: ClinVar variation 373175 (VCV000373175.4), dbSNP rs1057518268, ClinGen allele CA16042295.
Genomic context (GRCh38, chr1:197,142,524, plus strand): 5'-CACTTCTGTATGTTCTGTAATTGCAACTCTCACATTTGCATCTTCCATGCTTCCATCGCT[CTT>C]TCTTTTCCGAGCAACTGAAGCTGTTGTCGAAGAGGGTGTTACCTCGTTTTTATAACTCTT-3'